The following is an entry in ClinVar:

ClinVar aggregate classification (germline): Uncertain significance (1 of 4 stars; one submission).

Conditions:
RYR1-related disorder. Also called: RYR1-related condition; RYR1-related disorders. Identifiers: MedGen CN239331.

Submissions (2):

Labcorp Genetics (formerly Invitae), Labcorp
Classification: Uncertain significance for RYR1-related disorder. Last evaluated: 2024-11-12. Review status: criteria provided, single submitter. Criteria: Invitae Variant Classification Sherloc (09022015). Collection method: clinical testing. Allele origin: germline.
Comment: This sequence change affects codon 3811 of the RYR1 mRNA. It is a 'silent' change, meaning that it does not change the encoded amino acid sequence of the RYR1 protein. This variant is not present in population databases (gnomAD no frequency). This variant has not been reported in the literature in individuals affected with RYR1-related conditions. Algorithms developed to predict the effect of sequence changes on RNA splicing suggest that this variant may create or strengthen a splice site. In summary, the available evidence is currently insufficient to determine the role of this variant in disease. Therefore, it has been classified as a Variant of Uncertain Significance.

Dr. Peter K. Rogan Lab, Western University
No classification provided (evidence only). Condition: Melanoma. Review status: no classification provided. Collection method: in vitro. Allele origin: not applicable. Functional consequence: retained intron. Not counted in ClinVar's aggregate classification.

NM_000540.3(RYR1):c.11433C>A (p.Val3811=)

Gene: RYR1 (ryanodine receptor 1; plus strand). Cytogenetic location: 19q13.2.
Variant type: single nucleotide variant.
Coding change: c.11433C>A on transcript NM_000540.3 (MANE Select); coding-DNA position 11433, C replaced by A.
Protein change: p.Val3811=; no amino-acid change (valine 3811 retained).
Molecular consequence: synonymous variant.
Genome position (GRCh38, 1-based): chr19:38,535,214, C>A. VCF-style: chr19-38535214-C-A. GRCh37 (hg19) VCF-style: chr19-39025854-C-A.
Other names: c.11418C>A, p.Val3806= (NM_001042723.2).
Identifiers: ClinVar variation 3690370 (VCV003690370.3).